The following is an entry in ClinVar:

ClinVar aggregate classification (germline): Likely benign (1 of 4 stars; one submission).

Submission:

CeGaT Center for Human Genetics Tuebingen
Classification: Likely benign. Last evaluated: 2024-12-01. Review status: criteria provided, single submitter. Criteria: CeGaT Center For Human Genetics Tuebingen Variant Classification Criteria Version 2. Collection method: clinical testing. Allele origin: germline. Affected: yes. Observed: 1 variant allele.
Comment: SLC27A5: PM2:Supporting, BP4, BP7

NM_012254.3(SLC27A5):c.1833G>A (p.Lys611=)

Gene: SLC27A5 (solute carrier family 27 member 5; minus strand). Cytogenetic location: 19q13.43.
Variant type: single nucleotide variant.
Coding change: c.1833G>A on transcript NM_012254.3 (MANE Select); coding-DNA position 1833, G replaced by A.
Protein change: p.Lys611=; no amino-acid change (lysine 611 retained).
Molecular consequence: synonymous variant.
Genome position (GRCh38, 1-based): chr19:58,498,848, C>T on the plus strand (G>A on the coding strand, the complement: SLC27A5 is on the minus strand). VCF-style: chr19-58498848-C-T. GRCh37 (hg19) VCF-style: chr19-59010215-C-T.
Other names: c.1581G>A, p.Lys527= (NM_001321196.2).
Identifiers: ClinVar variation 3772133 (VCV003772133.13).